The following is an entry in ClinVar:

NM_001454.4(FOXJ1):c.958C>G (p.Leu320Val)

Gene: FOXJ1 (forkhead box J1; minus strand). Cytogenetic location: 17q25.1.
Variant type: single nucleotide variant.
Coding change: c.958C>G on transcript NM_001454.4 (MANE Select); coding-DNA position 958, C replaced by G.
Protein change: p.Leu320Val; replaces leucine 320 with valine.
Molecular consequence: missense variant.
Genome position (GRCh38, 1-based): chr17:76,137,661, G>C on the plus strand (C>G on the coding strand, the complement: FOXJ1 is on the minus strand). VCF-style: chr17-76137661-G-C. GRCh37 (hg19) VCF-style: chr17-74133742-G-C.
Other names: short protein forms L320V.
Identifiers: ClinVar variation 1327791 (VCV001327791.2), dbSNP rs777676324, ClinGen allele CA8781924.
Genomic context (GRCh38, chr17:76,137,661, plus strand): 5'-AGGCGGGGCTCAGAGGCGGGCTCAGCTCCAGGGCCTCCAGTGCACCCAGCTCCCCGCCCA[G>C]AGTGCCGGCGTCGAAGATGGCCTCCCAGTCAAAGTTGCCTTTGAGGGGTTCCAGCTCACC-3'
Protein context (NP_001445.2, residues 310-330): DWEAIFDAGT[Leu320Val]GGELGALEAL

ClinVar aggregate classification (germline): Uncertain significance (1 of 4 stars; one submission).

Allele frequency attached by ClinVar (database versions not stated): gnomAD exomes below 0.00001; TOPMed below 0.00001; ExAC 0.00001; gnomAD 0.00001.
gnomAD v4.1: 2 of 1,611,574 alleles (0.00012%); highest among the groups gnomAD compares: Admixed American, 0.0017%; no homozygotes.

Submission:

GeneDx
Classification: Uncertain significance. Last evaluated: 2021-04-23. Review status: criteria provided, single submitter. Criteria: GeneDx Variant Classification Process June 2021. Collection method: clinical testing. Allele origin: germline. Affected: yes.
Comment: Has not been previously published as pathogenic or benign to our knowledge; Variants in candidate genes are classified as variants of uncertain significance in accordance with ACMG guidelines (Richards et al., 2015); In silico analysis supports that this missense variant does not alter protein structure/function